The following is an entry in ClinVar:

NM_013339.4(ALG6):c.256G>A (p.Val86Met)

Gene: ALG6 (ALG6 alpha-1,3-glucosyltransferase; plus strand). Cytogenetic location: 1p31.3.
Variant type: single nucleotide variant.
Coding change: c.256G>A on transcript NM_013339.4 (MANE Select); coding-DNA position 256, G replaced by A.
Protein change: p.Val86Met; replaces valine 86 with methionine.
Molecular consequence: missense variant.
Genome position (GRCh38, 1-based): chr1:63,402,342, G>A. VCF-style: chr1-63402342-G-A. GRCh37 (hg19) VCF-style: chr1-63868013-G-A.
Other names: short protein forms V86M.
Identifiers: ClinVar variation 2160611 (VCV002160611.1), dbSNP rs537735680, ClinGen allele CA888107.

ClinVar aggregate classification (germline): Uncertain significance (1 of 4 stars; one submission).

Conditions:
ALG6-congenital disorder of glycosylation 1C (CDG1C). Also called: Congenital disorder of glycosylation, type Ic; CARBOHYDRATE-DEFICIENT GLYCOPROTEIN SYNDROME, TYPE I, WITH DEFICIENT GLYCOSYLATION OF DOLICHOL-LINKED OLIGOSACCHARIDE; CARBOHYDRATE-DEFICIENT GLYCOPROTEIN SYNDROME, TYPE V; Congenital disorder of glycosylation type 1C; CDG Ic. Identifiers: Orphanet 79320, MedGen C2930997, MONDO:0011291, OMIM 603147.

Allele frequency attached by ClinVar (database versions not stated): gnomAD exomes below 0.00001; TOPMed 0.00001; ExAC 0.00002; gnomAD 0.00003; 1000 Genomes Project 30x 0.00016; 1000 Genomes Project 0.00020.
gnomAD v4.1: 8 of 1,603,562 alleles (0.0005%); highest among the groups gnomAD compares: East Asian, 0.0045%; no homozygotes.

Submission:

Labcorp Genetics (formerly Invitae), Labcorp
Classification: Uncertain significance for ALG6-congenital disorder of glycosylation 1C. Last evaluated: 2022-02-09. Review status: criteria provided, single submitter. Criteria: Invitae Variant Classification Sherloc (09022015). Collection method: clinical testing. Allele origin: germline.
Comment: This sequence change replaces valine, which is neutral and non-polar, with methionine, which is neutral and non-polar, at codon 86 of the ALG6 protein (p.Val86Met). This variant is present in population databases (rs537735680, gnomAD 0.02%). This variant has not been reported in the literature in individuals affected with ALG6-related conditions. Algorithms developed to predict the effect of missense changes on protein structure and function output the following: SIFT: "Deleterious"; PolyPhen-2: "Benign"; Align-GVGD: "Class C0". The methionine amino acid residue is found in multiple mammalian species, which suggests that this missense change does not adversely affect protein function. In summary, the available evidence is currently insufficient to determine the role of this variant in disease. Therefore, it has been classified as a Variant of Uncertain Significance.